The following is an entry in ClinVar:

ClinVar aggregate classification (germline): Uncertain significance (1 of 4 stars; one submission).

Allele frequency attached by ClinVar (database versions not stated): TOPMed below 0.00001.
gnomAD v4.1: 16 of 1,613,050 alleles (0.00099%); highest among the groups gnomAD compares: Middle Eastern, 0.016%; no homozygotes.

Submission:

Ambry Genetics
Classification: Uncertain significance. Last evaluated: 2023-12-29. Review status: criteria provided, single submitter. Criteria: Ambry Variant Classification Scheme 2023. Collection method: clinical testing. Allele origin: germline.
Comment: The p.R233H variant (also known as c.698G>A), located in coding exon 1 of the EGLN2 gene, results from a G to A substitution at nucleotide position 698. The arginine at codon 233 is replaced by histidine, an amino acid with highly similar properties. This amino acid position is conserved. In addition, this alteration is predicted to be tolerated by in silico analysis. Since supporting evidence is limited at this time, the clinical significance of this alteration remains unclear.

NM_080732.4(EGLN2):c.698G>A (p.Arg233His)

Genes: EGLN2 (egl-9 family hypoxia inducible factor 2; plus strand), RAB4B-EGLN2 (RAB4B-EGLN2 readthrough (NMD candidate); plus strand). Cytogenetic location: 19q13.2.
Variant type: single nucleotide variant.
Coding change: c.698G>A on transcript NM_080732.4 (MANE Select); coding-DNA position 698, G replaced by A.
Protein change: p.Arg233His; replaces arginine 233 with histidine.
Molecular consequence: missense variant. On other transcripts: non-coding transcript variant (1).
Genome position (GRCh38, 1-based): chr19:40,801,270, G>A. VCF-style: chr19-40801270-G-A. GRCh37 (hg19) VCF-style: chr19-41307175-G-A.
Other names: c.698G>A, p.Arg233His (NM_053046.4); short protein forms R233H.
Identifiers: ClinVar variation 1756464 (VCV001756464.2), dbSNP rs756312933, ClinGen allele CA9452286.
Genomic context (GRCh38, chr19:40,801,270, plus strand): 5'-TCAAACGGGGTGGGCGCCTGCGAGACGGGCAGCTAGTGAGCCAGAGGGCGATCCCGCCGC[G>A]CAGCATCCGTGGGGACCAGATTGCCTGGGTGGAAGGCCATGAACCAGGCTGTCGAAGCAT-3'
Protein context (NP_542770.2, residues 223-243): QLVSQRAIPP[Arg233His]SIRGDQIAWV